The following is an entry in ClinVar:

NM_014975.3(MAST1):c.1947C>A (p.Asp649Glu)

Gene: MAST1 (microtubule associated serine/threonine kinase 1; plus strand). Cytogenetic location: 19p13.13.
Variant type: single nucleotide variant.
Coding change: c.1947C>A on transcript NM_014975.3 (MANE Select); coding-DNA position 1947, C replaced by A.
Protein change: p.Asp649Glu; replaces aspartic acid 649 with glutamic acid.
Molecular consequence: missense variant.
Genome position (GRCh38, 1-based): chr19:12,866,020, C>A. VCF-style: chr19-12866020-C-A. GRCh37 (hg19) VCF-style: chr19-12976834-C-A.
Other names: short protein forms D649E.
Identifiers: ClinVar variation 4803625 (VCV004803625.1).
Genomic context (GRCh38, chr19:12,866,020, plus strand): 5'-TGGAATCCCTTCCGTCCCAGGCGGCGCTTTTGAGGTGAAGCAGCACAGTTTCTTTCGAGA[C>A]CTGGACTGGACAGGGCTGCTGAGGCAGAAGGCCGAGTTCATCCCCCACCTAGAGTCGGAA-3'
Protein context (NP_055790.1, residues 639-659): FEVKQHSFFR[Asp649Glu]LDWTGLLRQK

ClinVar aggregate classification (germline): Uncertain significance (1 of 4 stars; one submission).

gnomAD v4.1: 1 of 1,614,114 alleles (0.000062%); highest among the groups gnomAD compares: South Asian, 0.0011%; no homozygotes.

Submission:

Labcorp Genetics (formerly Invitae), Labcorp
Classification: Uncertain significance. Last evaluated: 2024-03-09. Review status: criteria provided, single submitter. Criteria: Invitae Variant Classification Sherloc (09022015). Collection method: clinical testing. Allele origin: germline.
Comment: This sequence change replaces aspartic acid, which is acidic and polar, with glutamic acid, which is acidic and polar, at codon 649 of the MAST1 protein (p.Asp649Glu). This variant is present in population databases (rs769815447, gnomAD 0.006%). This variant has not been reported in the literature in individuals affected with MAST1-related conditions. Algorithms developed to predict the effect of missense changes on protein structure and function output the following: SIFT: "Not Available"; PolyPhen-2: "Benign"; Align-GVGD: "Not Available". The glutamic acid amino acid residue is found in multiple mammalian species, which suggests that this missense change does not adversely affect protein function. In summary, the available evidence is currently insufficient to determine the role of this variant in disease. Therefore, it has been classified as a Variant of Uncertain Significance.